The following is an entry in ClinVar:

NM_002617.4(PEX10):c.551_555del (p.Ile184fs)

Gene: PEX10 (peroxisomal biogenesis factor 10; minus strand). Cytogenetic location: 1p36.32.
Variant type: Deletion.
Coding change: c.551_555del on transcript NM_002617.4 (MANE Select); coding-DNA positions 551 to 555, 5 bases deleted (TCCAC; older notation c.551_555delTCCAC).
Protein change: p.Ile184fs; shifts the reading frame from isoleucine 184.
Molecular consequence: frameshift variant. On other transcripts: non-coding transcript variant (1).
Genome position (GRCh38, 1-based): chr1:2,408,497-2,408,501, GTGGA deleted on the plus strand (TCCAC on the coding strand, the reverse complement: PEX10 is on the minus strand). VCF-style (leftmost placement, unchanged base first): chr1-2408496-CGTGGA-C. GRCh37 (hg19) VCF-style: chr1-2339935-CGTGGA-C.
Other names: c.551_555del, p.Ile184fs (NM_001374425.1, NM_153818.2); c.119_123del, p.Ile40fs (NM_001374426.1, NM_001374427.1); short protein forms I184fs, I40fs.
Identifiers: ClinVar variation 2769260 (VCV002769260.4), dbSNP rs2522275393, ClinGen allele CA2574179443.

ClinVar aggregate classification (germline): Pathogenic. Review status: criteria provided, multiple submitters, no conflicts (2 of 4 stars). 2 submissions from 2 submitters: Pathogenic (2). Last evaluated 2026-08-29.

Conditions:
Peroxisome biogenesis disorder, complementation group 7 (CG7). Also called: Peroxisome biogenesis disorder, complementation group B. Identifiers: MedGen C1864399.
Peroxisome biogenesis disorder. Identifiers: Orphanet 79189, MedGen C1832200, MONDO:0019234. Disease mechanism: loss of function.

Submissions (2):

Myriad Genetics, Inc.
Classification: Pathogenic for Peroxisome biogenesis disorder. Last evaluated: 2026-08-29. Review status: criteria provided, single submitter. Criteria: Myriad Autosomal Dominant, Autosomal Recessive and X-Linked Classification Criteria (2023). Collection method: clinical testing. Allele origin: unknown.
Comment: NM_153818.1(PEX10):c.551_555del5(I184Rfs*51) is expected to be pathogenic in the context of peroxisome biogenesis disorder type 6. This variant is predicted to lead to an abnormal or absent protein product due to the creation of a premature termination codon in PEX10, a gene where loss-of-function variants are known to be pathogenic. Please note: this variant was assessed in the context of healthy population screening.

Labcorp Genetics (formerly Invitae), Labcorp
Classification: Pathogenic for Peroxisome biogenesis disorder, complementation group 7. Last evaluated: 2025-07-21. Review status: criteria provided, single submitter. Criteria: Invitae Variant Classification Sherloc (09022015). Collection method: clinical testing. Allele origin: germline.
Comment: This sequence change creates a premature translational stop signal (p.Ile184Argfs*51) in the PEX10 gene. It is expected to result in an absent or disrupted protein product. Loss-of-function variants in PEX10 are known to be pathogenic (PMID: 9683594, 10862081, 21031596). This variant is not present in population databases (gnomAD no frequency). This variant has not been reported in the literature in individuals affected with PEX10-related conditions. ClinVar contains an entry for this variant (Variation ID: 2769260). Algorithms developed to predict the effect of sequence changes on RNA splicing suggest that this variant may create or strengthen a splice site. For these reasons, this variant has been classified as Pathogenic.

Literature cited by the submitters: PubMed 9683594 (cited by Labcorp Genetics (formerly Invitae), Labcorp); PubMed 10862081 (cited by Labcorp Genetics (formerly Invitae), Labcorp); PubMed 21031596 (cited by Labcorp Genetics (formerly Invitae), Labcorp).